The following is an entry in ClinVar:

NM_001165963.4(SCN1A):c.870T>C (p.His290=)

Gene: SCN1A (sodium voltage-gated channel alpha subunit 1; minus strand). Cytogenetic location: 2q24.3.
Variant type: single nucleotide variant.
Coding change: c.870T>C on transcript NM_001165963.4 (MANE Select); coding-DNA position 870, T replaced by C.
Protein change: p.His290=; no amino-acid change (histidine 290 retained).
Molecular consequence: synonymous variant. On other transcripts: 5 prime UTR variant (1), non-coding transcript variant (1).
Genome position (GRCh38, 1-based): chr2:166,051,813, A>G on the plus strand (T>C on the coding strand, the complement: SCN1A is on the minus strand). VCF-style: chr2-166051813-A-G. GRCh37 (hg19) VCF-style: chr2-166908323-A-G.
Other names: c.870T>C, p.His290= (NM_001165964.3, NM_001202435.3, NM_001353948.2 and 10 more transcripts); c.-1556T>C (NM_001353961.2); c.870T>C (NM_001202435.1).
Identifiers: ClinVar variation 378509 (VCV000378509.5), dbSNP rs755274788, ClinGen allele CA1943427.
Genomic context (GRCh38, chr2:166,051,813, plus strand): 5'-AAAGACAGTTTCATTTATAAGTGTACCATTATAATTCACAGTTATATTCTTTTCTATACT[A>G]TGTTCCTCCAAGGAAGCATTGGTGGGAGGCCATTGTATACATTTATTCCTCAGGTTGCCC-3'
Protein context (NP_001159435.1, residues 280-300): WPPTNASLEE[His290=]SIEKNITVNY

ClinVar aggregate classification (germline): Likely benign. Review status: criteria provided, multiple submitters, no conflicts (2 of 4 stars). 3 submissions from 3 submitters: Likely benign (3). Last evaluated 2026-01-12.

Conditions:
Early-infantile DEE. Also called: Ohtahara syndrome; Early infantile epileptic encephalopathy with suppression bursts; Early infantile epileptic encephalopathy. Identifiers: Orphanet 1934, MedGen C0393706, MONDO:0800491.

Allele frequency attached by ClinVar (database versions not stated): TOPMed below 0.00001; ExAC 0.00001; gnomAD 0.00001; gnomAD exomes 0.00001 and 0.00002.
gnomAD v4.1: 21 of 1,612,138 alleles (0.0013%); highest among the groups gnomAD compares: East Asian, 0.0045%; no homozygotes.

Submissions (3):

Labcorp Genetics (formerly Invitae), Labcorp
Classification: Likely benign for Early-infantile DEE. Last evaluated: 2026-01-12. Review status: criteria provided, single submitter. Criteria: Invitae Variant Classification Sherloc (09022015). Collection method: clinical testing. Allele origin: germline.

Athena Diagnostics
Classification: Likely benign. Last evaluated: 2025-09-05. Review status: criteria provided, single submitter. Criteria: Athena Diagnostics Criteria. Collection method: clinical testing. Allele origin: unknown.
Comment: Computational tools yielded predictions that this variant is unlikely to have an effect on normal RNA splicing. This nucleotide position exhibits low evolutionary conservation.

GeneDx
Classification: Likely benign. Last evaluated: 2016-12-06. Review status: criteria provided, single submitter. Criteria: GeneDx Variant Classification (06012015). Collection method: clinical testing. Allele origin: germline. Affected: yes.
Comment: This variant is considered likely benign or benign based on one or more of the following criteria: it is a conservative change, it occurs at a poorly conserved position in the protein, it is predicted to be benign by multiple in silico algorithms, and/or has population frequency not consistent with disease.